The following is an entry in ClinVar:

NM_024537.4(CARS2):c.1250C>G (p.Pro417Arg)

Gene: CARS2 (cysteinyl-tRNA synthetase 2, mitochondrial; minus strand). Cytogenetic location: 13q34.
Variant type: single nucleotide variant.
Coding change: c.1250C>G on transcript NM_024537.4 (MANE Select); coding-DNA position 1250, C replaced by G.
Protein change: p.Pro417Arg; replaces proline 417 with arginine.
Molecular consequence: missense variant. On other transcripts: non-coding transcript variant (2).
Genome position (GRCh38, 1-based): chr13:110,646,034, G>C on the plus strand (C>G on the coding strand, the complement: CARS2 is on the minus strand). VCF-style: chr13-110646034-G-C. GRCh37 (hg19) VCF-style: chr13-111298381-G-C.
Other names: c.464C>G, p.Pro155Arg (NM_001352252.2); short protein forms P155R, P417R.
Identifiers: ClinVar variation 835270 (VCV000835270.6), dbSNP rs766539038, ClinGen allele CA256324541.
Genomic context (GRCh38, chr13:110,646,034, plus strand): 5'-GACGCCCTGAGCTGTCCATTCCCGTGGTGTGCAAGGCCCAGGATGGCATCAACCACCCTG[G>C]GTGTGTCAAAATCATCTGCCAAGGCCGCCTTCACGGCCCTCTTGGTGCTGGAGAGCCTGA-3'
Protein context (NP_078813.1, residues 407-427): KAALADDFDT[Pro417Arg]RVVDAILGLA

ClinVar aggregate classification (germline): Uncertain significance (1 of 4 stars; one submission).

Conditions:
Combined oxidative phosphorylation defect type 27. Also called: Combined oxidative phosphorylation deficiency 27. Identifiers: Orphanet 477774, MedGen C5567608, MONDO:0014728, OMIM 616672.

Allele frequency attached by ClinVar (database versions not stated): gnomAD exomes below 0.00001; gnomAD 0.00001; TOPMed 0.00001.
gnomAD v4.1: 4 of 1,613,870 alleles (0.00025%); highest among the groups gnomAD compares: Admixed American, 0.0067%; no homozygotes.

Submission:

Labcorp Genetics (formerly Invitae), Labcorp
Classification: Uncertain significance for Combined oxidative phosphorylation defect type 27. Last evaluated: 2023-10-03. Review status: criteria provided, single submitter. Criteria: Invitae Variant Classification Sherloc (09022015). Collection method: clinical testing. Allele origin: germline.
Comment: This sequence change replaces proline, which is neutral and non-polar, with arginine, which is basic and polar, at codon 417 of the CARS2 protein (p.Pro417Arg). This variant is present in population databases (rs766539038, gnomAD 0.006%). This variant has not been reported in the literature in individuals affected with CARS2-related conditions. ClinVar contains an entry for this variant (Variation ID: 835270). Advanced modeling of protein sequence and biophysical properties (such as structural, functional, and spatial information, amino acid conservation, physicochemical variation, residue mobility, and thermodynamic stability) performed at Invitae indicates that this missense variant is not expected to disrupt CARS2 protein function. In summary, the available evidence is currently insufficient to determine the role of this variant in disease. Therefore, it has been classified as a Variant of Uncertain Significance.